The following is an entry in ClinVar:

ClinVar aggregate classification (germline): Uncertain significance (1 of 4 stars; one submission).

gnomAD v4.1: 2 of 1,433,092 alleles (0.00014%); highest among the groups gnomAD compares: Non-Finnish European, 0.0002%; no homozygotes.

Submission:

Labcorp Genetics (formerly Invitae), Labcorp
Classification: Uncertain significance. Last evaluated: 2025-04-27. Review status: criteria provided, single submitter. Criteria: Invitae Variant Classification Sherloc (09022015). Collection method: clinical testing. Allele origin: germline.
Comment: This sequence change affects a donor splice site in intron 28 of the ANKRD26 gene. It is expected to disrupt RNA splicing. Variants that disrupt the donor or acceptor splice site typically lead to a loss of protein function (PMID: 16199547), however the current clinical and genetic evidence is not sufficient to establish whether loss-of-function variants in ANKRD26 cause disease. This variant is not present in population databases (gnomAD no frequency). This variant has not been reported in the literature in individuals affected with ANKRD26-related conditions. Algorithms developed to predict the effect of sequence changes on RNA splicing suggest that this variant may disrupt the consensus splice site. In summary, the available evidence is currently insufficient to determine the role of this variant in disease. Therefore, it has been classified as a Variant of Uncertain Significance.

Literature cited by the submitters: PubMed 16199547.

NM_014915.3(ANKRD26):c.4085+1G>C

Gene: ANKRD26 (ankyrin repeat domain 26; minus strand). Cytogenetic location: 10p12.1.
Variant type: single nucleotide variant.
Coding change: c.4085+1G>C on transcript NM_014915.3 (MANE Select); the canonical splice donor site of the intron after coding-DNA position 4085, G replaced by C.
Molecular consequence: splice donor variant.
Genome position (GRCh38, 1-based): chr10:27,024,446, C>G on the plus strand (G>C on the coding strand, the complement: ANKRD26 is on the minus strand). VCF-style: chr10-27024446-C-G. GRCh37 (hg19) VCF-style: chr10-27313375-C-G.
Other names: c.4082+1G>C (NM_001256053.2).
Identifiers: ClinVar variation 4718469 (VCV004718469.1).